The following is an entry in ClinVar:

ClinVar aggregate classification (germline): Conflicting classifications of pathogenicity. Review status: criteria provided, conflicting classifications (1 of 4 stars). 2 submissions from 2 submitters: Likely pathogenic (1); Uncertain significance (1). Last evaluated 2026-02-26.

Conditions:
Intellectual developmental disorder with or without epilepsy or cerebellar ataxia. Identifiers: MedGen C4748041, MONDO:0060745, OMIM 618060.

Submissions (2):

GeneDx
Classification: Likely pathogenic. Last evaluated: 2026-02-26. Review status: criteria provided, single submitter. Criteria: GeneDx Variant Classification Process June 2021. Collection method: clinical testing. Allele origin: germline.
Comment: Not observed at significant frequency in large population cohorts (gnomAD); In silico analysis supports that this missense variant has a deleterious effect on protein structure/function; Has not been previously published as pathogenic or benign to our knowledge

Institute of Human Genetics, University of Goettingen
Classification: Uncertain significance for Intellectual developmental disorder with or without epilepsy or cerebellar ataxia. Last evaluated: 2023-08-28. Review status: criteria provided, single submitter. Criteria: ACMG Guidelines, 2015. Collection method: clinical testing. Allele origin: unknown. Inheritance: Autosomal dominant inheritance. Affected: yes. Observed: 1 heterozygote.
Comment: - Variant is not listed in HGMD, ClinVar, LOVD - Variant is not annotated in GnomAD - Phenotype matches disease description - In-Silico predictions favor damaging effect

NM_134261.3(RORA):c.440G>A (p.Arg147Gln)

Genes: RORA (RAR related orphan receptor A; minus strand), RORA-AS1 (RORA antisense RNA 1; plus strand). Cytogenetic location: 15q22.2.
Variant type: single nucleotide variant.
Coding change: c.440G>A on transcript NM_134261.3 (MANE Select); coding-DNA position 440, G replaced by A.
Protein change: p.Arg147Gln; replaces arginine 147 with glutamine.
Molecular consequence: missense variant.
Genome position (GRCh38, 1-based): chr15:60,511,606, C>T on the plus strand (G>A on the coding strand, the complement: RORA is on the minus strand). VCF-style: chr15-60511606-C-T. GRCh37 (hg19) VCF-style: chr15-60803805-C-T.
Other names: c.515G>A, p.Arg172Gln (NM_002943.4); c.539G>A, p.Arg180Gln (NM_134260.3); c.275G>A, p.Arg92Gln (NM_134262.3); c.440G>A (NM_134261.2); short protein forms R147Q, R172Q, R180Q, R92Q.
Identifiers: ClinVar variation 2687487 (VCV002687487.4), dbSNP rs2542052131, ClinGen allele CA392671251.
Genomic context (GRCh38, chr15:60,511,606, plus strand): 5'-TGCTGCATCCGGTGTTTCTGTACTTCTGCATACAAGCTGTCTCTCTGCTTTTTTGACATT[C>T]GGCCAAATTTTACAGCTGGAAGAAAAAAGCCAAACCATACTACATACAATGCGCTTTTCT-3'
Protein context (NP_599023.1, residues 137-157): GMSRDAVKFG[Arg147Gln]MSKKQRDSLY